The following is an entry in ClinVar:

ClinVar aggregate classification (germline): Uncertain significance (1 of 4 stars; one submission).

Conditions:
Catecholaminergic polymorphic ventricular tachycardia (CVPT). Also called: Catecholamine-induced polymorphic ventricular tachycardia. Identifiers: Orphanet 3286, MedGen C5574922, MONDO:0017990.

Submission:

Labcorp Genetics (formerly Invitae), Labcorp
Classification: Uncertain significance for Catecholaminergic polymorphic ventricular tachycardia 1. Last evaluated: 2020-09-16. Review status: criteria provided, single submitter. Criteria: Invitae Variant Classification Sherloc (09022015). Collection method: clinical testing. Allele origin: germline.
Comment: This variant results in a copy number gain of the genomic region encompassing exon(s) 11-105 of the RYR2 gene. The 5' boundary is likely confined to intron 10. The 3' end of this event is unknown as it extends beyond the assayed region for this gene and therefore may encompass additional genes. As the precise location of this event is unknown, it may be in tandem or it may be located elsewhere in the genome. This variant has not been reported in the literature in individuals with RYR2-related conditions. Experimental studies and prediction algorithms are not available or were not evaluated, and the functional significance of this variant is currently unknown. In summary, the available evidence is currently insufficient to determine the role of this variant in disease. Therefore, it has been classified as a Variant of Uncertain Significance.

NC_000001.10:g.(?_237580339)_(237995957_?)dup

Gene: RYR2 (ryanodine receptor 2; plus strand). Cytogenetic location: 1q43.
Variant type: Duplication.
Identifiers: ClinVar variation 1056048 (VCV001056048.2).